The following is an entry in ClinVar:

NM_024334.3(TMEM43):c.624A>T (p.Leu208=)

Gene: TMEM43 (transmembrane protein 43; plus strand). Cytogenetic location: 3p25.1.
Variant type: single nucleotide variant.
Coding change: c.624A>T on transcript NM_024334.3 (MANE Select); coding-DNA position 624, A replaced by T.
Protein change: p.Leu208=; no amino-acid change (leucine 208 retained).
Molecular consequence: synonymous variant.
Genome position (GRCh38, 1-based): chr3:14,134,810, A>T. VCF-style: chr3-14134810-A-T. GRCh37 (hg19) VCF-style: chr3-14176310-A-T.
Identifiers: ClinVar variation 926562 (VCV000926562.3), dbSNP rs527942696, ClinGen allele CA432551794.
Genomic context (GRCh38, chr3:14,134,810, plus strand): 5'-AACCACTCTGGTCCCCTCAGGCCTCATCGACAAAGTCGACAACTTCAAGTCCCTGAGCCT[A>T]TCCAAGCTGGAGGACCCTCATGTGGACATCATTCGCCGTGGAGACTTTTTCTACCACAGC-3'
Protein context (NP_077310.1, residues 198-218): DKVDNFKSLS[Leu208=]SKLEDPHVDI

ClinVar aggregate classification (germline): Likely benign. Review status: criteria provided, multiple submitters, no conflicts (2 of 4 stars). 2 submissions from 2 submitters: Likely benign (2). Last evaluated 2023-04-28.

Conditions:
Cardiomyopathy (CMYO). Also called: Cardiomyopathies. Identifiers: Orphanet 167848, MedGen C0878544, MONDO:0004994, HP:0001638. Inheritance: Various modes of inheritance.
Arrhythmogenic right ventricular dysplasia 5. Also called: Arrhythmogenic Right Ventricular Dysplasia/Cardiomyopathy 5; ARRHYTHMOGENIC RIGHT VENTRICULAR DYSPLASIA, FAMILIAL, 5. Identifiers: MedGen C1858379, MONDO:0011459, OMIM 604400.

gnomAD v4.1: 2 of 1,614,176 alleles (0.00012%); highest among the groups gnomAD compares: Non-Finnish European, 0.000085%; no homozygotes.

Submissions (2):

All of Us Research Program, National Institutes of Health
Classification: Likely benign for Arrhythmogenic right ventricular dysplasia 5. Last evaluated: 2023-04-28. Review status: criteria provided, single submitter. Criteria: ACMG Guidelines, 2015. Collection method: clinical testing. Allele origin: germline. Inheritance: Autosomal dominant inheritance. Observed: 1 variant allele, 1 heterozygote.
Comment: This study involves interpretation of variants in research participants for the purpose of population health screening. Participant phenotype was not available at the time of variant classification. Additional details can be found in publication PMID: 35346344, PMCID: PMC8962531

Color Diagnostics, LLC DBA Color Health
Classification: Likely benign for Cardiomyopathy. Last evaluated: 2018-11-09. Review status: criteria provided, single submitter. Criteria: ACMG Guidelines, 2015. Collection method: clinical testing. Allele origin: germline.